The following is an entry in ClinVar:

ClinVar aggregate classification (germline): Pathogenic (1 of 4 stars; one submission).

Submission:

Quest Diagnostics Nichols Institute San Juan Capistrano
Classification: Pathogenic. Last evaluated: 2022-04-14. Review status: criteria provided, single submitter. Criteria: ACMG/ClinGen CNV Guidelines, 2019. Collection method: clinical testing. Allele origin: unknown.
Comment: The terminal 18q deletion involves multiple genes associated with OMIM disorders and lies within the region associated with the 18q deletion syndrome (OMIM 601808), which has a variable clinical presentation that may involve growth delay, short stature, hypotonia, hearing impairment, intellectual disability, delayed myelination, abnormal genitalia, and foot deformities. Please see references for potential genotype/phenotype associations for the genes or regions involved in 18q deletions. References: Cody et al. Am J Med Genet C Semin Med Genet. 2015 Sep;169(3):265-80. PMID: 26235940. Feenstra et al. Am. J. Med. Genet. 2007. 143: 1858-1867. PMID: 17632778. Unique Rare Chromosome Disorders booklet: ns%20from%2018q21%20and%20beyond%20FTNW.pdf

GRCh37/hg19 18q22.1-23(chr18:64610595-78014123)x1

Genes: ADNP2 (ADNP homeobox 2; plus strand), ATP9B (ATPase phospholipid transporting 9B (putative); plus strand), C18orf63 (chromosome 18 open reading frame 63; plus strand), CBLN2 (cerebellin 2 precursor; minus strand), CCDC102B (coiled-coil domain containing 102B; plus strand) and 32 more. Cytogenetic location: 18q22.1-23.
Variant type: copy number loss.
Change: copy number 1 (one copy instead of two) of chr18:64,610,595-78,014,123 (13.40 Mb, GRCh37 coordinates, 1-based), cytogenetic band 18q22.1-23.
Identifiers: ClinVar variation 564561 (VCV000564561.2).